The following is an entry in ClinVar:

NM_006502.3(POLH):c.*2489C>T

Gene: POLH (DNA polymerase eta; plus strand). Cytogenetic location: 6p21.1.
Variant type: single nucleotide variant.
Coding change: c.*2489C>T on transcript NM_006502.3 (MANE Select); 2489 bases downstream of the stop codon, C replaced by T.
Molecular consequence: 3 prime UTR variant.
Genome position (GRCh38, 1-based): chr6:43,617,046, C>T. VCF-style: chr6-43617046-C-T. GRCh37 (hg19) VCF-style: chr6-43584783-C-T.
Other names: c.*2489C>T (NM_001291969.2); c.*3315C>T (NM_001291970.2).
Identifiers: ClinVar variation 356965 (VCV000356965.7), dbSNP rs6922830, ClinGen allele CA10622177.

ClinVar aggregate classification (germline): Benign (1 of 4 stars; one submission).

Conditions:
Xeroderma pigmentosum variant type. Also called: POLH-Related Xeroderma Pigmentosum; PHOTOSENSITIVITY WITH DEFECTIVE DNA SYNTHESIS; XERODERMA PIGMENTOSUM WITH NORMAL DNA REPAIR RATES. Identifiers: Orphanet 90342, MedGen C1848410, MONDO:0010214, OMIM 278750.

Allele frequency attached by ClinVar (database versions not stated): gnomAD 0.11945 and 0.12414; TOPMed 0.12820; 1000 Genomes Project 0.13319; 1000 Genomes Project 30x 0.13695.
gnomAD v4.1: 18,009 of 152,006 alleles (12%); highest among the groups gnomAD compares: African/African-American, 33%; 2,399 homozygotes.

Submission:

Illumina Laboratory Services, Illumina
Classification: Benign for Xeroderma pigmentosum variant type. Last evaluated: 2018-01-13. Review status: criteria provided, single submitter. Criteria: ICSL Variant Classification Criteria 13 December 2019. Collection method: clinical testing. Allele origin: germline.
Comment: This variant was observed in the ICSL laboratory as part of a predisposition screen in an ostensibly healthy population. It had not been previously curated by ICSL or reported in the Human Gene Mutation Database (HGMD: prior to June 1st, 2018), and was therefore a candidate for classification through an automated scoring system. Utilizing variant allele frequency, disease prevalence and penetrance estimates, and inheritance mode, an automated score was calculated to assess if this variant is too frequent to cause the disease. Based on the score and internal cut-off values, a variant classified as benign is not then subjected to further curation. The score for this variant resulted in a classification of benign for this disease.